The following is an entry in ClinVar:

NM_003051.4(SLC16A1):c.1009G>A (p.Val337Ile)

Gene: SLC16A1 (solute carrier family 16 member 1; minus strand). Cytogenetic location: 1p13.2.
Variant type: single nucleotide variant.
Coding change: c.1009G>A on transcript NM_003051.4 (MANE Select); coding-DNA position 1009, G replaced by A.
Protein change: p.Val337Ile; replaces valine 337 with isoleucine.
Molecular consequence: missense variant.
Genome position (GRCh38, 1-based): chr1:112,917,397, C>T on the plus strand (G>A on the coding strand, the complement: SLC16A1 is on the minus strand). VCF-style: chr1-112917397-C-T. GRCh37 (hg19) VCF-style: chr1-113460019-C-T.
Other names: c.1009G>A, p.Val337Ile (NM_001166496.2); short protein forms V337I.
Identifiers: ClinVar variation 1419288 (VCV001419288.8), dbSNP rs746530125, ClinGen allele CA1011346.

ClinVar aggregate classification (germline): Uncertain significance (1 of 4 stars; one submission).

Allele frequency attached by ClinVar (database versions not stated): gnomAD 0.00002 and 0.00003; TOPMed 0.00003; gnomAD exomes 0.00004 and 0.00005; ExAC 0.00005.
gnomAD v4.1: 63 of 1,614,194 alleles (0.0039%); highest among the groups gnomAD compares: East Asian, 0.069%; no homozygotes.

Submission:

Labcorp Genetics (formerly Invitae), Labcorp
Classification: Uncertain significance. Last evaluated: 2024-04-09. Review status: criteria provided, single submitter. Criteria: Invitae Variant Classification Sherloc (09022015). Collection method: clinical testing. Allele origin: germline.
Comment: This sequence change replaces valine, which is neutral and non-polar, with isoleucine, which is neutral and non-polar, at codon 337 of the SLC16A1 protein (p.Val337Ile). This variant is present in population databases (rs746530125, gnomAD 0.02%). This variant has not been reported in the literature in individuals affected with SLC16A1-related conditions. ClinVar contains an entry for this variant (Variation ID: 1419288). Algorithms developed to predict the effect of missense changes on protein structure and function output the following: SIFT: "Not Available"; PolyPhen-2: "Benign"; Align-GVGD: "Not Available". The isoleucine amino acid residue is found in multiple mammalian species, which suggests that this missense change does not adversely affect protein function. In summary, the available evidence is currently insufficient to determine the role of this variant in disease. Therefore, it has been classified as a Variant of Uncertain Significance.